The following is an entry in ClinVar:

ClinVar aggregate classification (germline): Uncertain significance. Review status: criteria provided, multiple submitters, no conflicts (2 of 4 stars). 2 submissions from 2 submitters: Uncertain significance (2). Last evaluated 2025-08-02.

Conditions:
Inborn genetic diseases. Identifiers: MedGen C0950123, MeSH D030342.

Allele frequency attached by ClinVar (database versions not stated): ExAC 0.00002; gnomAD 0.00005; gnomAD exomes 0.00001; TOPMed 0.00003; ESP Exome Variant Server 0.00008.
gnomAD v4.1: 26 of 1,614,072 alleles (0.0016%); highest among the groups gnomAD compares: Admixed American, 0.01%; no homozygotes.

Submissions (2):

Labcorp Genetics (formerly Invitae), Labcorp
Classification: Uncertain significance. Last evaluated: 2025-08-02. Review status: criteria provided, single submitter. Criteria: Invitae Variant Classification Sherloc (09022015). Collection method: clinical testing. Allele origin: germline.
Comment: This sequence change replaces valine, which is neutral and non-polar, with isoleucine, which is neutral and non-polar, at codon 505 of the TRPV6 protein (p.Val505Ile). This variant is present in population databases (rs369658985, gnomAD 0.009%). This missense change has been observed in individual(s) with chronic pancreatitis (PMID: 31930989). ClinVar contains an entry for this variant (Variation ID: 2393529). Algorithms developed to predict the effect of variants on gene product structure and function are not available or were not evaluated for this variant. Experimental studies have shown that this missense change does not substantially affect TRPV6 function (PMID: 31930989). In summary, the available evidence is currently insufficient to determine the role of this variant in disease. Therefore, it has been classified as a Variant of Uncertain Significance.

Ambry Genetics
Classification: Uncertain significance for Inborn genetic diseases. Last evaluated: 2021-11-15. Review status: criteria provided, single submitter. Criteria: Ambry Variant Classification Scheme 2023. Collection method: clinical testing. Allele origin: germline.

Literature cited by the submitters: PubMed 31930989 (cited by Labcorp Genetics (formerly Invitae), Labcorp).

NM_018646.6(TRPV6):c.1513G>A (p.Val505Ile)

Gene: TRPV6 (transient receptor potential cation channel subfamily V member 6; minus strand). Cytogenetic location: 7q34.
Variant type: single nucleotide variant.
Coding change: c.1513G>A on transcript NM_018646.6 (MANE Select); coding-DNA position 1513, G replaced by A.
Protein change: p.Val505Ile; replaces valine 505 with isoleucine.
Molecular consequence: missense variant.
Genome position (GRCh38, 1-based): chr7:142,874,550, C>T on the plus strand (G>A on the coding strand, the complement: TRPV6 is on the minus strand). VCF-style: chr7-142874550-C-T. GRCh37 (hg19) VCF-style: chr7-142572303-C-T.
Other names: short protein forms V505I.
Identifiers: ClinVar variation 2393529 (VCV002393529.4), dbSNP rs369658985, ClinGen allele CA4532492.